The following is an entry in ClinVar:

NM_000426.4(LAMA2):c.1160G>T (p.Gly387Val)

Gene: LAMA2 (laminin subunit alpha 2; plus strand). Cytogenetic location: 6q22.33.
Variant type: single nucleotide variant.
Coding change: c.1160G>T on transcript NM_000426.4 (MANE Select); coding-DNA position 1160, G replaced by T.
Protein change: p.Gly387Val; replaces glycine 387 with valine.
Molecular consequence: missense variant.
Genome position (GRCh38, 1-based): chr6:129,154,637, G>T. VCF-style: chr6-129154637-G-T. GRCh37 (hg19) VCF-style: chr6-129475782-G-T.
Other names: c.1160G>T, p.Gly387Val (NM_001079823.2); short protein forms G387V.
Identifiers: ClinVar variation 2011075 (VCV002011075.4), dbSNP rs1779000324, ClinGen allele CA365607049.

ClinVar aggregate classification (germline): Uncertain significance (1 of 4 stars; one submission).

Conditions:
LAMA2-related muscular dystrophy (LAMA2-RD). Also called: Laminin alpha 2-related dystrophy. Identifiers: MedGen C5679788, MONDO:0100228.

Submission:

Labcorp Genetics (formerly Invitae), Labcorp
Classification: Uncertain significance for LAMA2-related muscular dystrophy. Last evaluated: 2022-08-22. Review status: criteria provided, single submitter. Criteria: Invitae Variant Classification Sherloc (09022015). Collection method: clinical testing. Allele origin: germline.
Comment: In summary, the available evidence is currently insufficient to determine the role of this variant in disease. Therefore, it has been classified as a Variant of Uncertain Significance. Algorithms developed to predict the effect of missense changes on protein structure and function are either unavailable or do not agree on the potential impact of this missense change (SIFT: "Deleterious"; PolyPhen-2: "Probably Damaging"; Align-GVGD: "Class C0"). This variant has not been reported in the literature in individuals affected with LAMA2-related conditions. This variant is not present in population databases (gnomAD no frequency). This sequence change replaces glycine, which is neutral and non-polar, with valine, which is neutral and non-polar, at codon 387 of the LAMA2 protein (p.Gly387Val).